The following is an entry in ClinVar:

ClinVar aggregate classification (germline): Uncertain significance (1 of 4 stars; one submission).

Conditions:
Frontotemporal dementia and/or amyotrophic lateral sclerosis 6 (FTDALS6). Also called: VCP-Related Amyotrophic Lateral Sclerosis; VCP-Related Amyotrophic Lateral Sclerosis/Frontotemporal Dementia. Identifiers: Orphanet 275872, Orphanet 803, MedGen C5436279, MONDO:0013501, OMIM 613954.
Inclusion body myopathy with Paget disease of bone and frontotemporal dementia. Also called: Inclusion body myopathy with early-onset Paget disease and frontotemporal dementia. Identifiers: Orphanet 52430, MedGen C1833662, MONDO:0000507.

Submission:

Labcorp Genetics (formerly Invitae), Labcorp
Classification: Uncertain significance for Inclusion body myopathy with Paget disease of bone and frontotemporal dementia; Frontotemporal dementia and/or amyotrophic lateral sclerosis 6. Last evaluated: 2019-09-09. Review status: criteria provided, single submitter. Criteria: Invitae Variant Classification Sherloc (09022015). Collection method: clinical testing. Allele origin: germline.
Comment: Algorithms developed to predict the effect of missense changes on protein structure and function are either unavailable or do not agree on the potential impact of this missense change (SIFT: "Deleterious"; PolyPhen-2: "Benign"; Align-GVGD: "Class C0"). This variant disrupts the p.Ile126 amino acid residue in VCP. Other variant(s) that disrupt this residue have been observed in individuals with VCP-related conditions (PMID: 27209344, 29899994), which suggests that this may be a clinically significant amino acid residue. This variant has not been reported in the literature in individuals with VCP-related conditions. This variant is not present in population databases (ExAC no frequency). This sequence change replaces isoleucine with serine at codon 126 of the VCP protein (p.Ile126Ser). The isoleucine residue is moderately conserved and there is a large physicochemical difference between isoleucine and serine. In summary, the available evidence is currently insufficient to determine the role of this variant in disease. Therefore, it has been classified as a Variant of Uncertain Significance.

Literature cited by the submitters: PubMed 27209344; PubMed 29899994.

NM_007126.5(VCP):c.377T>G (p.Ile126Ser)

Gene: VCP (valosin containing protein; minus strand). Cytogenetic location: 9p13.3.
Variant type: single nucleotide variant.
Coding change: c.377T>G on transcript NM_007126.5 (MANE Select); coding-DNA position 377, T replaced by G.
Protein change: p.Ile126Ser; replaces isoleucine 126 with serine.
Molecular consequence: missense variant.
Genome position (GRCh38, 1-based): chr9:35,066,743, A>C on the plus strand (T>G on the coding strand, the complement: VCP is on the minus strand). VCF-style: chr9-35066743-A-C. GRCh37 (hg19) VCF-style: chr9-35066740-A-C.
Other names: c.242T>G, p.Ile81Ser (NM_001354927.2, NM_001354928.2); short protein forms I126S, I81S.
Identifiers: ClinVar variation 942237 (VCV000942237.8), dbSNP rs1828841085, ClinGen allele CA373292055.